The following is an entry in ClinVar:

ClinVar aggregate classification (germline): Conflicting classifications of pathogenicity. Review status: criteria provided, conflicting classifications (1 of 4 stars). 5 submissions from 5 submitters: Uncertain significance (2); Likely benign (2). 1 of the submissions does not count toward it. Last evaluated 2025-12-08.

Conditions:
Deficiency of transaldolase. Also called: EYAID SYNDROME. Identifiers: Orphanet 101028, MedGen C1291329, MONDO:0011624, OMIM 606003.
Inborn genetic diseases. Identifiers: MedGen C0950123, MeSH D030342.
TALDO1-related disorder. Also called: TALDO1-related condition.

Allele frequency attached by ClinVar (database versions not stated): gnomAD 0.00016 and 0.00018; TOPMed 0.00017; gnomAD exomes 0.00024; ExAC 0.00026.

Submissions (5):

Labcorp Genetics (formerly Invitae), Labcorp
Classification: Likely benign. Last evaluated: 2025-12-08. Review status: criteria provided, single submitter. Criteria: Invitae Variant Classification Sherloc (09022015). Collection method: clinical testing. Allele origin: germline.

Blueprint Genetics
Classification: Likely benign. Last evaluated: 2024-02-28. Review status: criteria provided, single submitter. Criteria: ACMG Guidelines, 2015. Collection method: clinical testing. Allele origin: germline.

Ambry Genetics
Classification: Uncertain significance for Inborn genetic diseases. Last evaluated: 2022-11-17. Review status: criteria provided, single submitter. Criteria: Ambry Variant Classification Scheme 2023. Collection method: clinical testing. Allele origin: germline.

Illumina Laboratory Services, Illumina
Classification: Uncertain significance for Deficiency of transaldolase. Last evaluated: 2018-01-12. Review status: criteria provided, single submitter. Criteria: ICSL Variant Classification Criteria 13 December 2019. Collection method: clinical testing. Allele origin: germline.

PreventionGenetics, part of Exact Sciences
Classification: Likely benign for TALDO1-related condition. Last evaluated: 2024-03-29. Review status: no assertion criteria provided. Collection method: clinical testing. Allele origin: germline. Not counted in ClinVar's aggregate classification.
Comment: This variant is classified as likely benign based on ACMG/AMP sequence variant interpretation guidelines (Richards et al. 2015 PMID: 25741868, with internal and published modifications).

NM_006755.2(TALDO1):c.476A>G (p.Gln159Arg)

Genes: TALDO1 (transaldolase 1; plus strand), LOC126861110 (CDK7 strongly-dependent group 2 enhancer GRCh37_chr11:762588-763787; plus strand). Cytogenetic location: 11p15.5.
Variant type: single nucleotide variant.
Coding change: c.476A>G on transcript NM_006755.2 (MANE Select); coding-DNA position 476, A replaced by G.
Protein change: p.Gln159Arg; replaces glutamine 159 with arginine.
Molecular consequence: missense variant.
Genome position (GRCh38, 1-based): chr11:763,358, A>G. VCF-style: chr11-763358-A-G. GRCh37 (hg19) VCF-style: chr11-763358-A-G.
Other names: short protein forms Q159R.
Identifiers: ClinVar variation 306133 (VCV000306133.15), dbSNP rs147961544, ClinGen allele CA5788184.
Genomic context (GRCh38, chr11:763,358, plus strand): 5'-GTCCCCGCCCTCACCTGCCCCGCCCTCACCTGTCCCCGCCCCGCAGGGAGCTCGAGGAGC[A>G]GCACGGCATCCACTGCAACATGACGTTACTCTTCTCCTTCGCCCAGGCTGTGGCCTGTGC-3'
Protein context (NP_006746.1, residues 149-169): GIQAGKELEE[Gln159Arg]HGIHCNMTLL